The following is an entry in ClinVar:

NM_001190.4(BCAT2):c.973C>T (p.Arg325Trp)

Gene: BCAT2 (branched chain amino acid transaminase 2; minus strand). Cytogenetic location: 19q13.33.
Variant type: single nucleotide variant.
Coding change: c.973C>T on transcript NM_001190.4 (MANE Select); coding-DNA position 973, C replaced by T.
Protein change: p.Arg325Trp; replaces arginine 325 with tryptophan.
Molecular consequence: missense variant.
Genome position (GRCh38, 1-based): chr19:48,796,670, G>A on the plus strand (C>T on the coding strand, the complement: BCAT2 is on the minus strand). VCF-style: chr19-48796670-G-A. GRCh37 (hg19) VCF-style: chr19-49299927-G-A.
Other names: c.973C>T (NM_001190.3); c.697C>T, p.Arg233Trp (NM_001164773.2); c.853C>T, p.Arg285Trp (NM_001284325.2); short protein forms R233W, R325W, R285W.
Identifiers: ClinVar variation 1477310 (VCV001477310.8), dbSNP rs143358538, ClinGen allele CA9558237.

ClinVar aggregate classification (germline): Uncertain significance. Review status: criteria provided, multiple submitters, no conflicts (2 of 4 stars). 2 submissions from 2 submitters: Uncertain significance (2). Last evaluated 2025-04-16.

Allele frequency attached by ClinVar (database versions not stated): ExAC 0.00003; gnomAD exomes 0.00003 and 0.00004; gnomAD 0.00009; TOPMed 0.00009; ESP Exome Variant Server 0.00031.
gnomAD v4.1: 67 of 1,613,396 alleles (0.0042%); highest among the groups gnomAD compares: African/African-American, 0.012%; no homozygotes.

Submissions (2):

Labcorp Genetics (formerly Invitae), Labcorp
Classification: Uncertain significance. Last evaluated: 2025-04-16. Review status: criteria provided, single submitter. Criteria: Invitae Variant Classification Sherloc (09022015). Collection method: clinical testing. Allele origin: germline.
Comment: This sequence change replaces arginine, which is basic and polar, with tryptophan, which is neutral and slightly polar, at codon 325 of the BCAT2 protein (p.Arg325Trp). This variant is present in population databases (rs143358538, gnomAD 0.008%). This variant has not been reported in the literature in individuals affected with BCAT2-related conditions. ClinVar contains an entry for this variant (Variation ID: 1477310). Invitae Evidence Modeling of protein sequence and biophysical properties (such as structural, functional, and spatial information, amino acid conservation, physicochemical variation, residue mobility, and thermodynamic stability) indicates that this missense variant is not expected to disrupt BCAT2 protein function with a negative predictive value of 80%. In summary, the available evidence is currently insufficient to determine the role of this variant in disease. Therefore, it has been classified as a Variant of Uncertain Significance.

Ambry Genetics
Classification: Uncertain significance. Last evaluated: 2024-06-30. Review status: criteria provided, single submitter. Criteria: Ambry Variant Classification Scheme 2023. Collection method: clinical testing. Allele origin: germline.